The following is an entry in ClinVar:

NM_000489.6(ATRX):c.2388A>C (p.Lys796Asn)

Gene: ATRX (ATRX chromatin remodeler; minus strand). Cytogenetic location: Xq21.1.
Variant type: single nucleotide variant.
Coding change: c.2388A>C on transcript NM_000489.6 (MANE Select); coding-DNA position 2388, A replaced by C.
Protein change: p.Lys796Asn; replaces lysine 796 with asparagine.
Molecular consequence: missense variant.
Genome position (GRCh38, 1-based): chrX:77,682,868, T>G on the plus strand (A>C on the coding strand, the complement: ATRX is on the minus strand). VCF-style: chrX-77682868-T-G. GRCh37 (hg19) VCF-style: chrX-76938360-T-G.
Other names: c.2274A>C, p.Lys758Asn (NM_138270.5); short protein forms K758N, K796N.
Identifiers: ClinVar variation 639233 (VCV000639233.7), dbSNP rs1603220590, ClinGen allele CA413712520.

ClinVar aggregate classification (germline): Uncertain significance. Review status: criteria provided, multiple submitters, no conflicts (2 of 4 stars). 2 submissions from 2 submitters: Uncertain significance (2). Last evaluated 2021-10-18.

Conditions:
Acquired hemoglobin H disease (ATMDS). Also called: Alpha-thalassemia myelodysplasia syndrome; Alpha-thalassemia myelodysplasia syndrome, somatic; Alpha-thalassemia-myelodysplastic syndrome. Identifiers: Orphanet 231401, MedGen C0585216, MONDO:0010328, OMIM 300448.
Alpha thalassemia-X-linked intellectual disability syndrome (ATRX). Also called: ALPHA-THALASSEMIA/IMPAIRED INTELLECTUAL DEVELOPMENT SYNDROME, X-LINKED; ALPHA-THALASSEMIA/MENTAL RETARDATION SYNDROME, X-LINKED; ATR, NONDELETION TYPE; X-linked alpha-thalassemia-mental retardation syndrome; ATR-X syndrome; Alpha thalassemia mental retardation syndrome, nondeletion type, X-linked. Identifiers: Orphanet 847, MedGen C1845055, MONDO:0010519, OMIM 301040.
Intellectual disability-hypotonic facies syndrome, X-linked, 1 (MRXHF1). Also called: CHUDLEY-LOWRY SYNDROME; Chudley syndrome 1; Chudley-Lowry-Hoar syndrome; Carpenter-Waziri syndrome; HOLMES-GANG SYNDROME; X-linked intellectual disability-hypotonic face syndrome. Identifiers: Orphanet 73220, Orphanet 93970, Orphanet 93971, Orphanet 93972, Orphanet 93973, Orphanet 93974, Orphanet 93975, MedGen C4759781, MONDO:0010663, OMIM 309580.

Submissions (2):

Fulgent Genetics
Classification: Uncertain significance for Acquired hemoglobin H disease; Alpha thalassemia-X-linked intellectual disability syndrome; Intellectual disability-hypotonic facies syndrome, X-linked, 1. Last evaluated: 2021-10-18. Review status: criteria provided, single submitter. Criteria: ACMG Guidelines, 2015. Collection method: clinical testing. Allele origin: unknown.

Labcorp Genetics (formerly Invitae), Labcorp
Classification: Uncertain significance for Alpha thalassemia-X-linked intellectual disability syndrome. Last evaluated: 2021-09-01. Review status: criteria provided, single submitter. Criteria: Invitae Variant Classification Sherloc (09022015). Collection method: clinical testing. Allele origin: germline.
Comment: This sequence change replaces lysine with asparagine at codon 796 of the ATRX protein (p.Lys796Asn). The lysine residue is highly conserved and there is a moderate physicochemical difference between lysine and asparagine. This variant is not present in population databases (ExAC no frequency). This variant has not been reported in the literature in individuals affected with ATRX-related conditions. Algorithms developed to predict the effect of missense changes on protein structure and function are either unavailable or do not agree on the potential impact of this missense change (SIFT: "Deleterious"; PolyPhen-2: "Benign"; Align-GVGD: "Class C0"). In summary, the available evidence is currently insufficient to determine the role of this variant in disease. Therefore, it has been classified as a Variant of Uncertain Significance.